The following is an entry in ClinVar:

NM_024589.3(ROGDI):c.254C>T (p.Ala85Val)

Gene: ROGDI (rogdi atypical leucine zipper; minus strand). Cytogenetic location: 16p13.3.
Variant type: single nucleotide variant.
Coding change: c.254C>T on transcript NM_024589.3 (MANE Select); coding-DNA position 254, C replaced by T.
Protein change: p.Ala85Val; replaces alanine 85 with valine.
Molecular consequence: missense variant.
Genome position (GRCh38, 1-based): chr16:4,801,268, G>A on the plus strand (C>T on the coding strand, the complement: ROGDI is on the minus strand). VCF-style: chr16-4801268-G-A. GRCh37 (hg19) VCF-style: chr16-4851269-G-A.
Other names: short protein forms A85V.
Identifiers: ClinVar variation 1032177 (VCV001032177.4), dbSNP rs748119074, ClinGen allele CA7882880.
Genomic context (GRCh38, chr16:4,801,268, plus strand): 5'-GGAGCTCCCATGCTCTTCCCCATTGGCAGGATGGGAGGGGACAGGGCCGGGGGACTCACC[G>A]CCTGGCTGAGGGCATCCCCCTGCAGAGTCAGCACACCCTTCACCTGGTCTGTGCTGTAAC-3'
Protein context (NP_078865.1, residues 75-95): LTLQGDALSQ[Ala85Val]DVNLKMPRNN

ClinVar aggregate classification (germline): Uncertain significance. Review status: criteria provided, multiple submitters, no conflicts (2 of 4 stars). 2 submissions from 2 submitters: Uncertain significance (2). Last evaluated 2021-08-27.

Conditions:
Amelocerebrohypohidrotic syndrome (KTZS). Also called: EPILEPSY AND YELLOW TEETH; EPILEPSY, DEMENTIA, AND AMELOGENESIS IMPERFECTA; KOHLSCHUTTER SYNDROME; Kohlschutter's syndrome. Identifiers: Orphanet 1946, MedGen C0406740, MONDO:0009185, OMIM 226750.

Allele frequency attached by ClinVar (database versions not stated): gnomAD exomes below 0.00001 and 0.00001; TOPMed below 0.00001; ExAC 0.00002.
gnomAD v4.1: 5 of 1,604,654 alleles (0.00031%); highest among the groups gnomAD compares: Non-Finnish European, 0.00043%; no homozygotes.

Submissions (2):

Labcorp Genetics (formerly Invitae), Labcorp
Classification: Uncertain significance for Amelocerebrohypohidrotic syndrome. Last evaluated: 2021-08-27. Review status: criteria provided, single submitter. Criteria: Invitae Variant Classification Sherloc (09022015). Collection method: clinical testing. Allele origin: germline.

Baylor Genetics
Classification: Uncertain significance for Amelocerebrohypohidrotic syndrome. Last evaluated: 2018-11-18. Review status: criteria provided, single submitter. Criteria: ACMG Guidelines, 2015. Collection method: clinical testing. Allele origin: maternal. Affected: yes.
Comment: This variant was determined to be of uncertain significance according to ACMG Guidelines, 2015 [PMID:25741868].